The following is an entry in ClinVar:

ClinVar aggregate classification (germline): Uncertain significance. Review status: criteria provided, multiple submitters, no conflicts (2 of 4 stars). 4 submissions from 4 submitters: Uncertain significance (4). Last evaluated 2024-07-23.

Conditions:
Inborn genetic diseases. Identifiers: MedGen C0950123, MeSH D030342.
Myopathy, proximal, and ophthalmoplegia (CMYO6). Also called: MYOPATHY WITH CONGENITAL JOINT CONTRACTURES, OPHTHALMOPLEGIA, AND RIMMED VACUOLES; INCLUSION BODY MYOPATHY 3, AUTOSOMAL DOMINANT; CONGENITAL MYOPATHY 6 WITH OPHTHALMOPLEGIA. Identifiers: Orphanet 363677, Orphanet 79091, MedGen C1854106, MONDO:0011577, OMIM 605637.

Allele frequency attached by ClinVar (database versions not stated): gnomAD exomes 0.00005; ExAC 0.00007; gnomAD 0.00007; TOPMed 0.00007; ESP Exome Variant Server 0.00015.
gnomAD v4.1: 89 of 1,612,456 alleles (0.0055%); highest among the groups gnomAD compares: South Asian, 0.024%; 1 homozygote.

Submissions (4):

Labcorp Genetics (formerly Invitae), Labcorp
Classification: Uncertain significance for Myopathy, proximal, and ophthalmoplegia. Last evaluated: 2024-07-23. Review status: criteria provided, single submitter. Criteria: Invitae Variant Classification Sherloc (09022015). Collection method: clinical testing. Allele origin: germline.
Comment: This sequence change replaces threonine, which is neutral and polar, with methionine, which is neutral and non-polar, at codon 1860 of the MYH2 protein (p.Thr1860Met). This variant is present in population databases (rs148724880, gnomAD 0.03%). This variant has not been reported in the literature in individuals affected with MYH2-related conditions. ClinVar contains an entry for this variant (Variation ID: 2039360). An algorithm developed to predict the effect of missense changes on protein structure and function (PolyPhen-2) suggests that this variant is likely to be disruptive. In summary, the available evidence is currently insufficient to determine the role of this variant in disease. Therefore, it has been classified as a Variant of Uncertain Significance.

CeGaT Center for Human Genetics Tuebingen
Classification: Uncertain significance. Last evaluated: 2024-02-01. Review status: criteria provided, single submitter. Criteria: CeGaT Center For Human Genetics Tuebingen Variant Classification Criteria Version 2. Collection method: clinical testing. Allele origin: germline. Affected: yes. Observed: 1 variant allele.

Blueprint Genetics
Classification: Uncertain significance. Last evaluated: 2022-10-20. Review status: criteria provided, single submitter. Criteria: ACMG Guidelines, 2015. Collection method: clinical testing. Allele origin: germline.

Ambry Genetics
Classification: Uncertain significance for Inborn genetic diseases. Last evaluated: 2021-08-09. Review status: criteria provided, single submitter. Criteria: Ambry Variant Classification Scheme 2023. Collection method: clinical testing. Allele origin: germline.

NM_017534.6(MYH2):c.5579C>T (p.Thr1860Met)

Genes: MYH2 (myosin heavy chain 2; minus strand), MYHAS (myosin heavy chain gene cluster antisense RNA; plus strand). Cytogenetic location: 17p13.1.
Variant type: single nucleotide variant.
Coding change: c.5579C>T on transcript NM_017534.6 (MANE Select); coding-DNA position 5579, C replaced by T.
Protein change: p.Thr1860Met; replaces threonine 1860 with methionine.
Molecular consequence: missense variant.
Genome position (GRCh38, 1-based): chr17:10,523,184, G>A on the plus strand (C>T on the coding strand, the complement: MYH2 is on the minus strand). VCF-style: chr17-10523184-G-A. GRCh37 (hg19) VCF-style: chr17-10426501-G-A.
Other names: c.5579C>T, p.Thr1860Met (NM_001100112.2); short protein forms T1860M.
Identifiers: ClinVar variation 2039360 (VCV002039360.28), dbSNP rs148724880, ClinGen allele CA8390353.